The following is an entry in ClinVar:

ClinVar aggregate classification (germline): Uncertain significance. Review status: criteria provided, multiple submitters, no conflicts (2 of 4 stars). 2 submissions from 2 submitters: Uncertain significance (2). Last evaluated 2024-02-21.

Conditions:
Inborn genetic diseases. Identifiers: MedGen C0950123, MeSH D030342.
Hereditary spastic paraplegia 30. Identifiers: Orphanet 101010, MedGen C5235139, MONDO:0012476.
Neuropathy, hereditary sensory, type 2C. Also called: KIF1A-Related HSAN2 (HSAN2C); Hereditary sensory and autonomic neuropathy type IIC. Identifiers: Orphanet 970, MedGen C3280168, MONDO:0013634, OMIM 614213.
Intellectual disability, autosomal dominant 9 (NESCAVS). Also called: KIF1A-Related Neurodevelopmental Disorder; NESCAV SYNDROME. Identifiers: Orphanet 662367, MedGen C5393830, MONDO:0013656, OMIM 614255.

Allele frequency attached by ClinVar (database versions not stated): gnomAD exomes 0.00001; TOPMed 0.00001.
gnomAD v4.1: 6 of 1,552,590 alleles (0.00039%); highest among the groups gnomAD compares: East Asian, 0.015%; no homozygotes.

Submissions (2):

Labcorp Genetics (formerly Invitae), Labcorp
Classification: Uncertain significance for Hereditary spastic paraplegia 30; Neuropathy, hereditary sensory, type 2C; Intellectual disability, autosomal dominant 9. Last evaluated: 2024-02-21. Review status: criteria provided, single submitter. Criteria: Invitae Variant Classification Sherloc (09022015). Collection method: clinical testing. Allele origin: germline.
Comment: This sequence change replaces asparagine, which is neutral and polar, with tyrosine, which is neutral and polar, at codon 293 of the KIF1A protein (p.Asn293Tyr). This variant is present in population databases (no rsID available, gnomAD 0.009%). This variant has not been reported in the literature in individuals affected with KIF1A-related conditions. ClinVar contains an entry for this variant (Variation ID: 1466936). Advanced modeling of protein sequence and biophysical properties (such as structural, functional, and spatial information, amino acid conservation, physicochemical variation, residue mobility, and thermodynamic stability) performed at Invitae indicates that this missense variant is expected to disrupt KIF1A protein function with a positive predictive value of 95%. In summary, the available evidence is currently insufficient to determine the role of this variant in disease. Therefore, it has been classified as a Variant of Uncertain Significance.

Ambry Genetics
Classification: Uncertain significance for Inborn genetic diseases. Last evaluated: 2020-08-21. Review status: criteria provided, single submitter. Criteria: Ambry Variant Classification Scheme 2023. Collection method: clinical testing. Allele origin: germline.
Comment: The p.N293Y variant (also known as c.877A>T), located in coding exon 9 of the KIF1A gene, results from an A to T substitution at nucleotide position 877. The asparagine at codon 293 is replaced by tyrosine, an amino acid with dissimilar properties. This amino acid position is highly conserved in available vertebrate species. In addition, the in silico prediction for this alteration is inconclusive. Since supporting evidence is limited at this time, the clinical significance of this alteration remains unclear.

NM_001244008.2(KIF1A):c.877A>T (p.Asn293Tyr)

Gene: KIF1A (kinesin family member 1A; minus strand). Cytogenetic location: 2q37.3.
Variant type: single nucleotide variant.
Coding change: c.877A>T on transcript NM_001244008.2 (MANE Select); coding-DNA position 877, A replaced by T.
Protein change: p.Asn293Tyr; replaces asparagine 293 with tyrosine.
Molecular consequence: missense variant.
Genome position (GRCh38, 1-based): chr2:240,782,595, T>A on the plus strand (A>T on the coding strand, the complement: KIF1A is on the minus strand). VCF-style: chr2-240782595-T-A. GRCh37 (hg19) VCF-style: chr2-241722012-T-A.
Other names: c.877A>T, p.Asn293Tyr (NM_001320705.2, NM_001330289.2, NM_001330290.2 and 20 more transcripts); short protein forms N293Y.
Identifiers: ClinVar variation 1466936 (VCV001466936.8), dbSNP rs1042391791, ClinGen allele CA68137578.